The following is an entry in ClinVar:

NM_001197104.2(KMT2A):c.947C>T (p.Ser316Leu)

Gene: KMT2A (lysine methyltransferase 2A; plus strand). Cytogenetic location: 11q23.3.
Variant type: single nucleotide variant.
Coding change: c.947C>T on transcript NM_001197104.2 (MANE Select); coding-DNA position 947, C replaced by T.
Protein change: p.Ser316Leu; replaces serine 316 with leucine.
Molecular consequence: missense variant.
Genome position (GRCh38, 1-based): chr11:118,472,106, C>T. VCF-style: chr11-118472106-C-T. GRCh37 (hg19) VCF-style: chr11-118342821-C-T.
Other names: c.1046C>T, p.Ser349Leu (NM_001412597.1); c.947C>T, p.Ser316Leu (NM_005933.4); short protein forms S316L, S349L.
Identifiers: ClinVar variation 4800517 (VCV004800517.1).
Genomic context (GRCh38, chr11:118,472,106, plus strand): 5'-GGGTACAAATTGTACGACGGAGAGGAAGGCCTCCATCAACAGAAAGGATAAAGACCCCTT[C>T]GGGTCTCCTCATTAATTCTGAACTGGAAAAGCCCCAGAAAGTCCGGAAAGACAAGGAAGG-3'
Protein context (NP_001184033.1, residues 306-326): PPSTERIKTP[Ser316Leu]GLLINSELEK

ClinVar aggregate classification (germline): Uncertain significance (1 of 4 stars; one submission).

gnomAD v4.1: 2 of 1,613,826 alleles (0.00012%); highest among the groups gnomAD compares: Non-Finnish European, 0.00017%; no homozygotes.

Submission:

Labcorp Genetics (formerly Invitae), Labcorp
Classification: Uncertain significance. Last evaluated: 2025-07-02. Review status: criteria provided, single submitter. Criteria: Invitae Variant Classification Sherloc (09022015). Collection method: clinical testing. Allele origin: germline.
Comment: This sequence change replaces serine, which is neutral and polar, with leucine, which is neutral and non-polar, at codon 316 of the KMT2A protein (p.Ser316Leu). This variant is present in population databases (no rsID available, gnomAD 0.0009%). This variant has not been reported in the literature in individuals affected with KMT2A-related conditions. Invitae Evidence Modeling of protein sequence and biophysical properties (such as structural, functional, and spatial information, amino acid conservation, physicochemical variation, residue mobility, and thermodynamic stability) indicates that this missense variant is not expected to disrupt KMT2A protein function with a negative predictive value of 95%. In summary, the available evidence is currently insufficient to determine the role of this variant in disease. Therefore, it has been classified as a Variant of Uncertain Significance.